The following is an entry in ClinVar:

ClinVar aggregate classification (germline): Uncertain significance (1 of 4 stars; one submission).

Conditions:
Epilepsy, familial focal, with variable foci 4 (FFEVF4). Identifiers: MedGen C4693694, MONDO:0054776, OMIM 617935.

Submission:

3billion
Classification: Uncertain significance for Epilepsy, familial focal, with variable foci 4. Last evaluated: 2025-02-06. Review status: criteria provided, single submitter. Criteria: ACMG Guidelines, 2015. Collection method: clinical testing. Allele origin: germline. Affected: yes.
Comment: The variant is not observed in the gnomAD v4.1.0 dataset. Predicted Consequence/Location: Missense variant. Missense changes are a common disease-causing mechanism. Damaging effect on gene or gene product predicted by in silico programs is uncertain [REVEL: 0.46 (damaging >=0.6, benign <0.4), 3Cnet: 0.00 (damaging >=0.6, benign <0.15)]. Therefore, this variant is classified as VUS according to the recommendation of ACMG/AMP guideline.

NM_006922.4(SCN3A):c.1894T>G (p.Ser632Ala)

Gene: SCN3A (sodium voltage-gated channel alpha subunit 3; minus strand). Cytogenetic location: 2q24.3.
Variant type: single nucleotide variant.
Coding change: c.1894T>G on transcript NM_006922.4 (MANE Select); coding-DNA position 1894, T replaced by G.
Protein change: p.Ser632Ala; replaces serine 632 with alanine.
Molecular consequence: missense variant. On other transcripts: intron variant (2).
Genome position (GRCh38, 1-based): chr2:165,140,776, A>C on the plus strand (T>G on the coding strand, the complement: SCN3A is on the minus strand). VCF-style: chr2-165140776-A-C. GRCh37 (hg19) VCF-style: chr2-165997286-A-C.
Other names: c.1872+22T>G (NM_001081676.2, NM_001081677.2); short protein forms S632A.
Identifiers: ClinVar variation 4293354 (VCV004293354.1).
Genomic context (GRCh38, chr2:165,140,776, plus strand): 5'-CATTGCAATCCACAGTGCTGTGCATCTTCCCATTTGCTGGAAGCCCTGGCACCATCCTGG[A>C]TGACATACTGGCCTGACTAACGTTACTGTTGCGTCGCTCTCCATGTCTGTGCGGCACAAA-3'
Protein context (NP_008853.3, residues 622-642): NSNVSQASMS[Ser632Ala]RMVPGLPANG